The following is an entry in ClinVar:

ClinVar aggregate classification (germline): Pathogenic (1 of 4 stars; one submission).

Conditions:
Hereditary cancer-predisposing syndrome. Also called: Tumor predisposition; Hereditary Cancer Syndrome; Neoplastic Syndromes, Hereditary; Hereditary neoplastic syndrome. Identifiers: Orphanet 140162, MedGen C0027672, MeSH D009386, MONDO:0015356.

Submission:

Ambry Genetics
Classification: Pathogenic for Hereditary cancer-predisposing syndrome. Last evaluated: 2020-11-20. Review status: criteria provided, single submitter. Criteria: Ambry Variant Classification Scheme 2023. Collection method: clinical testing. Allele origin: germline.
Comment: The p.C905* pathogenic mutation (also known as c.2715T>A), located in coding exon 17 of the ATM gene, results from a T to A substitution at nucleotide position 2715. This changes the amino acid from a cysteine to a stop codon within coding exon 17. This alteration is expected to result in loss of function by premature protein truncation or nonsense-mediated mRNA decay. As such, this alteration is interpreted as a disease-causing mutation.

NM_000051.4(ATM):c.2715T>A (p.Cys905Ter)

Gene: ATM (ATM serine/threonine kinase; plus strand). Cytogenetic location: 11q22.3.
Variant type: single nucleotide variant.
Coding change: c.2715T>A on transcript NM_000051.4 (MANE Select); coding-DNA position 2715, T replaced by A.
Protein change: p.Cys905Ter; replaces cysteine 905 with a stop codon.
Molecular consequence: nonsense.
Genome position (GRCh38, 1-based): chr11:108,268,486, T>A. VCF-style: chr11-108268486-T-A. GRCh37 (hg19) VCF-style: chr11-108139213-T-A.
Other names: c.2715T>A, p.Cys905Ter (NM_001351834.2); short protein forms C905*.
Identifiers: ClinVar variation 1795109 (VCV001795109.2), dbSNP rs2081385130, ClinGen allele CA382545287.